The following is an entry in ClinVar:

ClinVar aggregate classification (germline): Uncertain significance (1 of 4 stars; one submission).

Conditions:
CPSF1-related disorder. Also called: CPSF1-related condition.

Submission:

PreventionGenetics, part of Exact Sciences
Classification: Uncertain significance for CPSF1-related condition. Last evaluated: 2025-08-16. Review status: criteria provided, single submitter. Criteria: ACMG Guidelines, 2015. Collection method: clinical testing. Allele origin: germline.
Comment: The CPSF1 c.1036G>A variant is predicted to result in the amino acid substitution p.Val346Met. To our knowledge, this variant has not been reported in the literature or in a large population database (gnomAD), indicating this variant is rare. At this time, the clinical significance of this variant is uncertain due to the absence of conclusive functional and genetic evidence.

NM_013291.3(CPSF1):c.1036G>A (p.Val346Met)

Gene: CPSF1 (cleavage and polyadenylation specific factor 1; minus strand). Cytogenetic location: 8q24.3.
Variant type: single nucleotide variant.
Coding change: c.1036G>A on transcript NM_013291.3 (MANE Select); coding-DNA position 1036, G replaced by A.
Protein change: p.Val346Met; replaces valine 346 with methionine.
Molecular consequence: missense variant.
Genome position (GRCh38, 1-based): chr8:144,399,864, C>T on the plus strand (G>A on the coding strand, the complement: CPSF1 is on the minus strand). VCF-style: chr8-144399864-C-T. GRCh37 (hg19) VCF-style: chr8-145625254-C-T.
Other names: short protein forms V346M.
Identifiers: ClinVar variation 4987506 (VCV004987506.1).